The following is an entry in ClinVar:

NM_024652.6(LRRK1):c.856T>C (p.Ser286Pro)

Gene: LRRK1 (leucine rich repeat kinase 1; plus strand). Cytogenetic location: 15q26.3.
Variant type: single nucleotide variant.
Coding change: c.856T>C on transcript NM_024652.6 (MANE Select); coding-DNA position 856, T replaced by C.
Protein change: p.Ser286Pro; replaces serine 286 with proline.
Molecular consequence: missense variant.
Genome position (GRCh38, 1-based): chr15:101,008,930, T>C. VCF-style: chr15-101008930-T-C. GRCh37 (hg19) VCF-style: chr15-101549135-T-C.
Other names: short protein forms S286P.
Identifiers: ClinVar variation 1391245 (VCV001391245.6), dbSNP rs779802602, ClinGen allele CA7760720.

ClinVar aggregate classification (germline): Uncertain significance (1 of 4 stars; one submission).

Allele frequency attached by ClinVar (database versions not stated): ExAC 0.00001; gnomAD exomes 0.00002 and 0.00006; TOPMed 0.00002; gnomAD 0.00004.
gnomAD v4.1: 96 of 1,614,060 alleles (0.0059%); highest among the groups gnomAD compares: Non-Finnish European, 0.0078%; no homozygotes.

Submission:

Labcorp Genetics (formerly Invitae), Labcorp
Classification: Uncertain significance. Last evaluated: 2023-11-27. Review status: criteria provided, single submitter. Criteria: Invitae Variant Classification Sherloc (09022015). Collection method: clinical testing. Allele origin: germline.
Comment: This sequence change replaces serine, which is neutral and polar, with proline, which is neutral and non-polar, at codon 286 of the LRRK1 protein (p.Ser286Pro). This variant is present in population databases (rs779802602, gnomAD 0.003%). This variant has not been reported in the literature in individuals affected with LRRK1-related conditions. ClinVar contains an entry for this variant (Variation ID: 1391245). An algorithm developed to predict the effect of missense changes on protein structure and function (PolyPhen-2) suggests that this variant is likely to be disruptive. In summary, the available evidence is currently insufficient to determine the role of this variant in disease. Therefore, it has been classified as a Variant of Uncertain Significance.